The following is an entry in ClinVar:

ClinVar aggregate classification (germline): Uncertain significance (1 of 4 stars; one submission).

Allele frequency attached by ClinVar (database versions not stated): TOPMed 0.00001; ExAC 0.00002; gnomAD 0.00002 and 0.00003; gnomAD exomes 0.00002; 1000 Genomes Project 0.00020; 1000 Genomes Project 30x 0.00031.
gnomAD v4.1: 32 of 1,613,980 alleles (0.002%); highest among the groups gnomAD compares: Admixed American, 0.0067%; no homozygotes.

Submission:

Labcorp Genetics (formerly Invitae), Labcorp
Classification: Uncertain significance. Last evaluated: 2025-03-10. Review status: criteria provided, single submitter. Criteria: Invitae Variant Classification Sherloc (09022015). Collection method: clinical testing. Allele origin: germline.
Comment: This sequence change replaces aspartic acid, which is acidic and polar, with asparagine, which is neutral and polar, at codon 1024 of the ADGRA3 protein (p.Asp1024Asn). This variant is present in population databases (rs535177320, gnomAD 0.009%). This variant has not been reported in the literature in individuals affected with ADGRA3-related conditions. ClinVar contains an entry for this variant (Variation ID: 860999). An algorithm developed to predict the effect of missense changes on protein structure and function (PolyPhen-2) suggests that this variant is likely to be disruptive. In summary, the available evidence is currently insufficient to determine the role of this variant in disease. Therefore, it has been classified as a Variant of Uncertain Significance.

NM_145290.4(ADGRA3):c.3070G>A (p.Asp1024Asn)

Gene: ADGRA3 (adhesion G protein-coupled receptor A3; minus strand). Cytogenetic location: 4p15.2.
Variant type: single nucleotide variant.
Coding change: c.3070G>A on transcript NM_145290.4 (MANE Select); coding-DNA position 3070, G replaced by A.
Protein change: p.Asp1024Asn; replaces aspartic acid 1024 with asparagine.
Molecular consequence: missense variant.
Genome position (GRCh38, 1-based): chr4:22,388,601, C>T on the plus strand (G>A on the coding strand, the complement: ADGRA3 is on the minus strand). VCF-style: chr4-22388601-C-T. GRCh37 (hg19) VCF-style: chr4-22390224-C-T.
Other names: short protein forms D1024N.
Identifiers: ClinVar variation 860999 (VCV000860999.8), dbSNP rs535177320, ClinGen allele CA2873450.